The following is an entry in ClinVar:

NM_006231.4(POLE):c.5678+4C>T

Gene: POLE (DNA polymerase epsilon, catalytic subunit; minus strand). Cytogenetic location: 12q24.33.
Variant type: single nucleotide variant.
Coding change: c.5678+4C>T on transcript NM_006231.4 (MANE Select); 4 bases into the intron after coding-DNA position 5678, C replaced by T.
Molecular consequence: intron variant.
Genome position (GRCh38, 1-based): chr12:132,638,010, G>A on the plus strand (C>T on the coding strand, the complement: POLE is on the minus strand). VCF-style: chr12-132638010-G-A. GRCh37 (hg19) VCF-style: chr12-133214596-G-A.
Other names: p.?.
Identifiers: ClinVar variation 221106 (VCV000221106.84), dbSNP rs5744973, ClinGen allele CA350258.

ClinVar aggregate classification (germline): Benign/Likely benign. Review status: criteria provided, multiple submitters, no conflicts (2 of 4 stars). 20 submissions from 20 submitters: Benign (14); Likely benign (1). 5 of the submissions do not count toward it. Last evaluated 2026-02-04.

Conditions:
Polymerase proofreading-related adenomatous polyposis. Also called: Polymerase proofreading associated polyposis; Polymerase proofreading–associated polyposis (PPAP). Identifiers: Orphanet 447877, MedGen C5202613, MONDO:0018653.
Intrauterine growth retardation, metaphyseal dysplasia, adrenal hypoplasia congenita, genital anomalies, and immunodeficiency. Also called: IMAGEI SYNDROME. Identifiers: MedGen C5193036, MONDO:0032684, OMIM 618336.
Facial dysmorphism-immunodeficiency-livedo-short stature syndrome. Also called: Facial dysmorphism, immunodeficiency, livedo, and short stature; FILS syndrome. Identifiers: Orphanet 352712, MedGen C3554576, MONDO:0014058, OMIM 615139.
Colorectal cancer, susceptibility to, 12 (CRCS12). Also called: COLORECTAL CANCER, SUSCEPTIBILITY TO, ON CHROMOSOME 12q24. Identifiers: Orphanet 220460, MedGen C3554460, MONDO:0014038, OMIM 615083.
Hereditary cancer-predisposing syndrome. Also called: Neoplastic Syndromes, Hereditary; Hereditary Cancer Syndrome; Tumor predisposition; Hereditary neoplastic syndrome. Identifiers: Orphanet 140162, MedGen C0027672, MeSH D009386, MONDO:0015356.

Allele frequency attached by ClinVar (database versions not stated): ExAC 0.00453; gnomAD 0.01301 and 0.01405; 1000 Genomes Project 0.01338; 1000 Genomes Project 30x 0.01421; TOPMed 0.01493; ESP Exome Variant Server 0.01592; gnomAD exomes 0.00349.
gnomAD v4.1: 4,143 of 1,613,188 alleles (0.26%); highest among the groups gnomAD compares: African/African-American, 4.5%; 104 homozygotes.

Submissions (20):

Labcorp Genetics (formerly Invitae), Labcorp
Classification: Benign. Last evaluated: 2026-02-04. Review status: criteria provided, single submitter. Criteria: Invitae Variant Classification Sherloc (09022015). Collection method: clinical testing. Allele origin: germline.

CeGaT Center for Human Genetics Tuebingen
Classification: Benign. Last evaluated: 2025-06-01. Review status: criteria provided, single submitter. Criteria: CeGaT Center For Human Genetics Tuebingen Variant Classification Criteria Version 2. Collection method: clinical testing. Allele origin: germline. Affected: yes. Observed: 1 variant allele.
Comment: POLE: BP4, BS1, BS2

ARUP Laboratories, Molecular Genetics and Genomics, ARUP Laboratories
Classification: Benign. Last evaluated: 2025-05-06. Review status: criteria provided, single submitter. Criteria: ARUP Molecular Germline Variant Investigation Process 2024. Collection method: clinical testing. Allele origin: germline.

Center for Genomic Medicine, Rigshospitalet, Copenhagen University Hospital
Classification: Benign. Last evaluated: 2025-03-04. Review status: criteria provided, single submitter. Criteria: ACMG Guidelines, 2015. Collection method: clinical testing. Allele origin: germline.

KCCC/NGS Laboratory, Kuwait Cancer Control Center
Classification: Benign for Colorectal cancer, susceptibility to, 12. Last evaluated: 2023-07-07. Review status: criteria provided, single submitter. Criteria: ACMG Guidelines, 2015. Collection method: clinical testing. Allele origin: germline. Affected: yes.

Mayo Clinic Laboratories, Mayo Clinic
Classification: Benign. Last evaluated: 2023-06-22. Review status: criteria provided, single submitter. Criteria: ACMG Guidelines, 2015. Collection method: clinical testing. Allele origin: germline. Observed: 5 variant alleles.
Comment: BS1, BS2, BP4

Quest Diagnostics Nichols Institute San Juan Capistrano
Classification: Benign. Last evaluated: 2023-02-17. Review status: criteria provided, single submitter. Criteria: Quest Diagnostics criteria. Collection method: clinical testing. Allele origin: unknown.

Fulgent Genetics
Classification: Likely benign for Colorectal cancer, susceptibility to, 12; Facial dysmorphism-immunodeficiency-livedo-short stature syndrome; Intrauterine growth retardation, metaphyseal dysplasia, adrenal hypoplasia congenita, genital anomalies, and immunodeficiency. Last evaluated: 2022-02-02. Review status: criteria provided, single submitter. Criteria: ACMG Guidelines, 2015. Collection method: clinical testing. Allele origin: unknown.

Sema4
Classification: Benign for Hereditary cancer-predisposing syndrome. Last evaluated: 2020-02-06. Review status: criteria provided, single submitter. Criteria: Sema4 Curation Guidelines. Collection method: curation. Allele origin: germline.

Center for Pediatric Genomic Medicine, Children's Mercy Hospital and Clinics
Classification: Benign. Last evaluated: 2017-01-11. Review status: criteria provided, single submitter. Criteria: ACMG Guidelines, 2015. Collection method: clinical testing. Allele origin: germline.

GeneDx
Classification: Benign. Last evaluated: 2016-11-22. Review status: criteria provided, single submitter. Criteria: GeneDx Variant Classification (06012015). Collection method: clinical testing. Allele origin: germline. Affected: yes.
Comment: This variant is considered likely benign or benign based on one or more of the following criteria: it is a conservative change, it occurs at a poorly conserved position in the protein, it is predicted to be benign by multiple in silico algorithms, and/or has population frequency not consistent with disease.

PreventionGenetics, part of Exact Sciences
Classification: Benign. Last evaluated: 2016-11-09. Review status: criteria provided, single submitter. Criteria: ACMG Guidelines, 2015. Collection method: clinical testing. Allele origin: germline.

Women's Health and Genetics/Laboratory Corporation of America, LabCorp
Classification: Benign. Last evaluated: 2016-05-19. Review status: criteria provided, single submitter. Criteria: LabCorp Variant Classification Summary - May 2015. Collection method: clinical testing. Allele origin: germline.
Comment: Variant summary: The POLE c.5678+4C>T variant involves the alteration of a non-conserved nucleotide located in an intronic position outside of the canonical slice sites. Mutation taster predicts a benign outcome for this variant along with 4/5 in silico splice site tools predicting the variant not to have an impact on splicing. This variant was found in 550/121298 control chromosomes (16 homozygotes), predominantly observed in the African, 16 homozygotes subpopulation at a frequency of 0.0479531 (499/10406). This frequency is about 3376 times the estimated maximal expected allele frequency of a pathogenic POLE variant (0.0000142), suggesting this is likely a benign polymorphism found primarily in the populations of African. In addition a clinical diagnostic laboratory classified this variant as Benign. The variant of interest has not, to our knowledge, been reported in affected individuals via publications and/or reputable databases/clinical diagnostic laboratories; nor evaluated for functional impact by in vivo/vitro studies. Taken together, this variant is classified as Benign.

Ambry Genetics
Classification: Benign for Hereditary cancer-predisposing syndrome. Last evaluated: 2015-11-27. Review status: criteria provided, single submitter. Criteria: Ambry Variant Classification Scheme 2023. Collection method: clinical testing. Allele origin: germline.

Breakthrough Genomics
Classification: Benign. Review status: criteria provided, single submitter. Criteria: ACMG Guidelines, 2015. Collection method: not provided. Allele origin: germline. Inheritance: Autosomal recessive inheritance. Affected: yes.

True Health Diagnostics
Classification: Likely benign for Hereditary cancer-predisposing syndrome. Last evaluated: 2017-10-10. Review status: no assertion criteria provided. Collection method: clinical testing. Allele origin: germline. Not counted in ClinVar's aggregate classification.

Counsyl
Classification: Benign for Colorectal cancer, susceptibility to, 12. Last evaluated: 2016-05-25. Review status: no assertion criteria provided. Collection method: clinical testing. Allele origin: unknown. Not counted in ClinVar's aggregate classification.

Clinical Genetics, Academic Medical Center
Classification: Benign. Review status: no assertion criteria provided. Collection method: clinical testing. Allele origin: germline. Affected: yes. Study: VKGL Data-share Consensus. Not counted in ClinVar's aggregate classification.

Department of Pathology and Laboratory Medicine, Sinai Health System
Classification: Benign for Polymerase proofreading-related adenomatous polyposis. Review status: no assertion criteria provided. Collection method: clinical testing. Allele origin: unknown. Affected: yes. Study: The Canadian Open Genetics Repository (COGR). Not counted in ClinVar's aggregate classification.
Comment: The POLE c.5678+4C>T variant was not identified in the literature. The variant was identified in dbSNP (ID: rs5744973) as "With Benign allele" and ClinVar (classified as benign by Invitae, Counsyl, GeneDx, Ambry Genetics, and four other clinical laboratories). The variant was identified in control databases in 1227 of 276680 chromosomes (23 homozygous) at a frequency of 0.004, increasing the likelihood this could be a low frequency benign variant (Genome Aggregation Database Feb 27, 2017). The variant was observed in the following populations: African in 1091 of 24018 chromosomes (freq: 0.045), Other in 17 of 6462 chromosomes (freq: 0.003), Latino in 77 of 34402 chromosomes (freq: 0.002), European in 40 of 126262 chromosomes (freq: 0.0003), and South Asian in 2 of 30770 chromosomes (freq: 0.00007); it was not observed in the Ashkenazi Jewish, East Asian, or Finnish populations. The c.5678+4C>T variant is located in the 5' splice region but does not affect the invariant +1 and +2 positions. However, positions +3 to +6 are part of the splicing consensus sequence and variants involving these positions sometimes affect splicing. In addition, in silico or computational prediction software programs (SpliceSiteFinder, MaxEntScan, NNSPLICE, GeneSplicer) do not predict a difference in splicing. In summary, based on the above information, this variant meets our laboratory's criteria to be classified as benign.

Genome Diagnostics Laboratory, Amsterdam University Medical Center
Classification: Benign. Review status: no assertion criteria provided. Collection method: clinical testing. Allele origin: germline. Affected: yes. Study: VKGL Data-share Consensus. Not counted in ClinVar's aggregate classification.